The following is an entry in ClinVar:

ClinVar aggregate classification (germline): Uncertain significance (1 of 4 stars; one submission).

Conditions:
ESPN-related disorder. Also called: ESPN-related condition.

gnomAD v4.1: 1 of 1,611,114 alleles (0.000062%); highest among the groups gnomAD compares: African/African-American, 0.0013%; no homozygotes.

Submission:

PreventionGenetics, part of Exact Sciences
Classification: Uncertain significance for ESPN-related condition. Last evaluated: 2026-05-01. Review status: criteria provided, single submitter. Criteria: ACMG Guidelines, 2015. Collection method: clinical testing. Allele origin: germline.
Comment: The ESPN c.2122C>T variant is predicted to result in the amino acid substitution p.Pro708Ser. To our knowledge, this variant has not been reported in the literature. This variant is reported in 0.0066% of alleles in individuals of African descent in gnomAD. At this time, the clinical significance of this variant is uncertain due to the absence of conclusive functional and genetic evidence.

NM_031475.3(ESPN):c.2122C>T (p.Pro708Ser)

Gene: ESPN (espin; plus strand). Cytogenetic location: 1p36.31.
Variant type: single nucleotide variant.
Coding change: c.2122C>T on transcript NM_031475.3 (MANE Select); coding-DNA position 2122, C replaced by T.
Protein change: p.Pro708Ser; replaces proline 708 with serine.
Molecular consequence: missense variant.
Genome position (GRCh38, 1-based): chr1:6,451,893, C>T. VCF-style: chr1-6451893-C-T. GRCh37 (hg19) VCF-style: chr1-6511953-C-T.
Other names: c.2032C>T, p.Pro678Ser (NM_001367473.1); c.2059C>T, p.Pro687Ser (NM_001367474.1); short protein forms P678S, P687S, P708S.
Identifiers: ClinVar variation 4996036 (VCV004996036.1).
Genomic context (GRCh38, chr1:6,451,893, plus strand): 5'-CCCGATTCGCCGCTGCCTTCTGTGTCACCTGCACTGTCACCAGTCCGGAGCCCCACACCG[C>T]CAGCTGCGGGGTTTCAGCCGCTGCTCAATGGAAGCTTGGTTCCCGTGCCGCCCACTACTC-3'
Protein context (NP_113663.2, residues 698-718): ALSPVRSPTP[Pro708Ser]AAGFQPLLNG